The following is an entry in ClinVar:

ClinVar aggregate classification (germline): Conflicting classifications of pathogenicity. Review status: criteria provided, conflicting classifications (1 of 4 stars). 5 submissions from 5 submitters: Uncertain significance (3); Likely benign (1). 1 of the submissions does not count toward it. Last evaluated 2025-08-27.

Conditions:
Hereditary cancer-predisposing syndrome. Also called: Hereditary Cancer Syndrome; Neoplastic Syndromes, Hereditary; Hereditary neoplastic syndrome; Tumor predisposition. Identifiers: Orphanet 140162, MedGen C0027672, MeSH D009386, MONDO:0015356.
Hereditary breast ovarian cancer syndrome. Also called: Hereditary breast and ovarian cancer syndrome (HBOC); Breast and ovarian cancer; Hereditary breast and ovarian cancer syndrome; Hereditary breast and ovarian cancer; BRCA1- and BRCA2-Associated Hereditary Breast and Ovarian Cancer; Hereditary breast and/or ovarian cancer syndrome. Identifiers: Orphanet 145, MedGen C0677776, MeSH D061325, MONDO:0003582. Disease mechanism: loss of function.
Breast-ovarian cancer, familial, susceptibility to, 1 (BROVCA1). Also called: BRCA1 Hereditary Breast and Ovarian Cancer; OVARIAN CANCER, SUSCEPTIBILITY TO. Identifiers: Orphanet 145, MedGen C2676676, MONDO:0011450, OMIM 604370. Disease mechanism: loss of function.

Allele frequency attached by ClinVar (database versions not stated): gnomAD exomes below 0.00001; TOPMed below 0.00001; gnomAD 0.00001.

Submissions (5):

Labcorp Genetics (formerly Invitae), Labcorp
Classification: Uncertain significance for Hereditary breast ovarian cancer syndrome. Last evaluated: 2025-08-27. Review status: criteria provided, single submitter. Criteria: Invitae Variant Classification Sherloc (09022015). Collection method: clinical testing. Allele origin: germline.
Comment: This sequence change replaces arginine, which is basic and polar, with serine, which is neutral and polar, at codon 1188 of the BRCA1 protein (p.Arg1188Ser). This variant is present in population databases (no rsID available, gnomAD no frequency). This missense change has been observed in individual(s) with breast and/or ovarian cancer (PMID: 34026625). ClinVar contains an entry for this variant (Variation ID: 252874). Invitae Evidence Modeling of protein sequence and biophysical properties (such as structural, functional, and spatial information, amino acid conservation, physicochemical variation, residue mobility, and thermodynamic stability) indicates that this missense variant is expected to disrupt BRCA1 protein function with a positive predictive value of 80%. In summary, the available evidence is currently insufficient to determine the role of this variant in disease. Therefore, it has been classified as a Variant of Uncertain Significance.

Ambry Genetics
Classification: Uncertain significance for Hereditary cancer-predisposing syndrome. Last evaluated: 2023-12-07. Review status: criteria provided, single submitter. Criteria: Ambry Variant Classification Scheme 2023. Collection method: clinical testing. Allele origin: germline.
Comment: The p.R1188S variant (also known as c.3564G>C), located in coding exon 9 of the BRCA1 gene, results from a G to C substitution at nucleotide position 3564. The arginine at codon 1188 is replaced by serine, an amino acid with dissimilar properties. This alteration was detected in a cohort of 200 individuals with a personal and/or family history of breast/ovarian cancer (Doddato G et al. Front Oncol, 2021 May;11:649435). This amino acid position is well conserved in available vertebrate species. In addition, the in silico prediction for this alteration is inconclusive. Since supporting evidence is limited at this time, the clinical significance of this alteration remains unclear.

University of Washington Department of Laboratory Medicine, University of Washington
Classification: Likely benign for Hereditary cancer-predisposing syndrome. Last evaluated: 2023-03-23. Review status: criteria provided, single submitter. Criteria: Dines et al. (Genet Med. 2020). Collection method: curation. Allele origin: germline.
Comment: Missense variant in a coldspot region where missense variants are very unlikely to be pathogenic (PMID:31911673).

BRCA1 coldspot (exon 11 using historical exon numbering). Reclassification based on statistical prior probability

Color Diagnostics, LLC DBA Color Health
Classification: Uncertain significance for Hereditary cancer-predisposing syndrome. Last evaluated: 2019-08-15. Review status: criteria provided, single submitter. Criteria: ACMG Guidelines, 2015. Collection method: clinical testing. Allele origin: germline.
Comment: This missense variant replaces arginine with serine at codon 1188 of the BRCA1 protein. Computational prediction tools and conservation analyses are inconclusive regarding the impact of this variant on the protein function. Computational splicing tools suggest that this variant may not impact RNA splicing. To our knowledge, functional assays have not been performed for this variant nor has this variant been reported in individuals affected with hereditary cancer in the literature. This variant has been identified in 1/250944 chromosomes in the general population by the Genome Aggregation Database (gnomAD). Available evidence is insufficient to determine the role of this variant in disease conclusively. Therefore, this variant is classified as a Variant of Uncertain Significance.

Sharing Clinical Reports Project (SCRP)
Classification: Uncertain significance for Breast-ovarian cancer, familial 1. Last evaluated: 2012-10-18. Review status: no assertion criteria provided. Collection method: clinical testing. Allele origin: germline. Not counted in ClinVar's aggregate classification.

Literature cited by the submitters: PubMed 34026625 (cited by Labcorp Genetics (formerly Invitae), Labcorp and Ambry Genetics).

NM_007294.4(BRCA1):c.3564G>C (p.Arg1188Ser)

Genes: BRCA1 (BRCA1 DNA repair associated; minus strand), LOC126862571 (BRD4-independent group 4 enhancer GRCh37_chr17:41243136-41244335; plus strand). Cytogenetic location: 17q21.31.
Variant type: single nucleotide variant.
Coding change: c.3564G>C on transcript NM_007294.4 (MANE Select); coding-DNA position 3564, G replaced by C.
Protein change: p.Arg1188Ser; replaces arginine 1188 with serine.
Molecular consequence: missense variant. On other transcripts: intron variant (135).
Genome position (GRCh38, 1-based): chr17:43,091,967, C>G on the plus strand (G>C on the coding strand, the complement: BRCA1 is on the minus strand). VCF-style: chr17-43091967-C-G. GRCh37 (hg19) VCF-style: chr17-41243984-C-G.
Other names: 3683G>C; c.3351G>C, p.Arg1117Ser (NM_001407571.1, NM_001407853.1, NM_001407894.1 and 9 more transcripts); c.3564G>C, p.Arg1188Ser (NM_001407581.1, NM_001407582.1, NM_001407583.1 and 30 more transcripts); c.3561G>C, p.Arg1187Ser (NM_001407587.1, NM_001407590.1, NM_001407591.1 and 22 more transcripts); c.3555G>C, p.Arg1185Ser (NM_001407646.1, NM_001407647.1); c.3441G>C, p.Arg1147Ser (NM_001407648.1, NM_001407664.1, NM_001407665.1 and 19 more transcripts); c.3438G>C, p.Arg1146Ser (NM_001407649.1, NM_001407670.1, NM_001407671.1 and 11 more transcripts); c.3486G>C, p.Arg1162Ser (NM_001407653.1, NM_001407654.1, NM_001407655.1 and 4 more transcripts); and 42 more; short protein forms R1188S, R1141S, R1020S, R1099S, R1100S, R1117S, R1140S, R1185S.
Identifiers: ClinVar variation 252874 (VCV000252874.19), dbSNP rs879255484, ClinGen allele CA10586104.